The following is an entry in ClinVar:

NM_018341.3(ERMARD):c.1521-63A>G

Gene: ERMARD (ER membrane associated RNA degradation; plus strand). Cytogenetic location: 6q27.
Variant type: single nucleotide variant.
Coding change: c.1521-63A>G on transcript NM_018341.3 (MANE Select); 63 bases into the intron before coding-DNA position 1521, A replaced by G.
Molecular consequence: intron variant. On other transcripts: missense variant (1).
Genome position (GRCh38, 1-based): chr6:169,776,392, A>G. VCF-style: chr6-169776392-A-G. GRCh37 (hg19) VCF-style: chr6-170176488-A-G.
Other names: c.1579A>G, p.Arg527Gly (NM_001278531.2); c.1520+327A>G (NM_001278533.2); c.1143-63A>G (NM_001278532.2); c.1113-63A>G (NM_001410957.1); short protein forms R527G.
Identifiers: ClinVar variation 3036402 (VCV003036402.2), dbSNP rs568136827, ClinGen allele CA4106329.

ClinVar aggregate classification (germline): Likely benign (0 of 4 stars; one submission).

Conditions:
ERMARD-related disorder. Also called: ERMARD-related condition.

Allele frequency attached by ClinVar (database versions not stated): gnomAD exomes 0.00002; ExAC 0.00029; gnomAD 0.00035; TOPMed 0.00039; 1000 Genomes Project 0.00040; 1000 Genomes Project 30x 0.00047.
gnomAD v4.1: 88 of 1,573,592 alleles (0.0056%); highest among the groups gnomAD compares: African/African-American, 0.11%; no homozygotes.

Submission:

PreventionGenetics, part of Exact Sciences
Classification: Likely benign for ERMARD-related condition. Last evaluated: 2022-04-26. Review status: no assertion criteria provided. Collection method: clinical testing. Allele origin: germline.
Comment: This variant is classified as likely benign based on ACMG/AMP sequence variant interpretation guidelines (Richards et al. 2015 PMID: 25741868, with internal and published modifications).